The following is an entry in ClinVar:

NM_004369.4(COL6A3):c.686C>T (p.Thr229Met)

Gene: COL6A3 (collagen type VI alpha 3 chain; minus strand). Cytogenetic location: 2q37.3.
Variant type: single nucleotide variant.
Coding change: c.686C>T on transcript NM_004369.4 (MANE Select); coding-DNA position 686, C replaced by T.
Protein change: p.Thr229Met; replaces threonine 229 with methionine.
Molecular consequence: missense variant. On other transcripts: intron variant (4).
Genome position (GRCh38, 1-based): chr2:237,394,610, G>A on the plus strand (C>T on the coding strand, the complement: COL6A3 is on the minus strand). VCF-style: chr2-237394610-G-A. GRCh37 (hg19) VCF-style: chr2-238303253-G-A.
Other names: c.91+2117C>T (NM_057166.5, NM_057167.4, NM_057164.5 and 1 more transcripts).
Identifiers: ClinVar variation 94970 (VCV000094970.18), dbSNP rs141586922, ClinGen allele CA222647.
Genomic context (GRCh38, chr2:237,394,610, plus strand): 5'-AGCAGGGCAGGGCGTAGCTTGGTGGCGTTGCCATTACCTGTGATGTCTTTAAGGGTTTCC[G>A]TGTCCCCAGCCCTTTCTGGACTCACGGATGAATGCACACAGGACACTAAGTTTCCTACTA-3'
Protein context (NP_004360.2, residues 219-239): SSVSPERAGD[Thr229Met]ETLKDITAQD

ClinVar aggregate classification (germline): Conflicting classifications of pathogenicity. Review status: criteria provided, conflicting classifications (1 of 4 stars). 4 submissions from 4 submitters: Uncertain significance (3); Likely benign (1). Last evaluated 2025-08-25.

Conditions:
Bethlem myopathy 1A. Also called: MYOPATHY, BENIGN CONGENITAL, WITH CONTRACTURES; Bethlem myopathy 1; Bethlem Muscular Dystrophy. Identifiers: Orphanet 610, MedGen CN029274, MONDO:0024530, OMIM 158810.

Allele frequency attached by ClinVar (database versions not stated): ESP Exome Variant Server 0.00008; ExAC 0.00001; gnomAD 0.00003; TOPMed 0.00010; gnomAD exomes 0.00002.
gnomAD v4.1: 51 of 1,613,982 alleles (0.0032%); highest among the groups gnomAD compares: East Asian, 0.0045%; no homozygotes.

Submissions (4):

Labcorp Genetics (formerly Invitae), Labcorp
Classification: Likely benign for Bethlem myopathy 1A. Last evaluated: 2025-08-25. Review status: criteria provided, single submitter. Criteria: Invitae Variant Classification Sherloc (09022015). Collection method: clinical testing. Allele origin: germline.

GeneDx
Classification: Uncertain significance. Last evaluated: 2022-06-28. Review status: criteria provided, single submitter. Criteria: GeneDx Variant Classification Process June 2021. Collection method: clinical testing. Allele origin: germline. Affected: yes.
Comment: In silico analysis supports that this missense variant does not alter protein structure/function; Has not been previously published as pathogenic or benign to our knowledge

Revvity Omics, Revvity
Classification: Uncertain significance. Last evaluated: 2019-07-08. Review status: criteria provided, single submitter. Criteria: ACMG Guidelines, 2015. Collection method: clinical testing. Allele origin: germline.

Eurofins Ntd Llc (ga)
Classification: Uncertain significance. Last evaluated: 2018-05-18. Review status: criteria provided, single submitter. Criteria: EGL ClinVar v180209 classification definitions. Collection method: clinical testing. Allele origin: germline. Observed: 2 variant alleles, 2 heterozygotes.